The following is an entry in ClinVar:

ClinVar aggregate classification (germline): Uncertain significance (0 of 4 stars; one submission).

Conditions:
ALMS1-related disorder. Also called: ALMS1-related condition.

Submission:

PreventionGenetics, part of Exact Sciences
Classification: Uncertain significance for ALMS1-related condition. Last evaluated: 2024-03-25. Review status: no assertion criteria provided. Collection method: clinical testing. Allele origin: germline.
Comment: The ALMS1 c.5901_5909del9 variant is predicted to result in an in-frame deletion (p.Pro1968_Ser1970del). To our knowledge, this variant has not been reported in the literature or in a large population database, indicating this variant is rare. At this time, the clinical significance of this variant is uncertain due to the absence of conclusive functional and genetic evidence.

NM_001378454.1(ALMS1):c.5898_5906del (p.Lys1966_Pro1969delinsAsn)

Gene: ALMS1 (ALMS1 centrosome and basal body associated protein; plus strand). Cytogenetic location: 2p13.1.
Variant type: Deletion.
Coding change: c.5898_5906del on transcript NM_001378454.1 (MANE Select); coding-DNA positions 5898 to 5906, 9 bases deleted (AGTTTCACC; older notation c.5898_5906delAGTTTCACC).
Protein change: p.Lys1966_Pro1969delinsAsn.
Molecular consequence: inframe indel.
Genome position (GRCh38, 1-based): chr2:73,452,425-73,452,433, AGTTTCACC deleted. VCF-style (leftmost placement, unchanged base first): chr2-73452424-AAGTTTCACC-A. GRCh37 (hg19) VCF-style: chr2-73679551-AAGTTTCACC-A.
Other names: c.5901_5909del, p.Lys1967_Pro1970delinsAsn (NM_015120.4); c.5901_5909del9 (NM_015120.4).
Identifiers: ClinVar variation 3355842 (VCV003355842.1).